The following is an entry in ClinVar:

ClinVar aggregate classification (germline): Uncertain significance. Review status: criteria provided, multiple submitters, no conflicts (2 of 4 stars). 3 submissions from 3 submitters: Uncertain significance (2). 1 of the submissions does not count toward it. Last evaluated 2026-05-08.

Conditions:
Methylmalonic aciduria due to methylmalonyl-CoA mutase deficiency (MAMM). Also called: Methylmalonic aciduria, mut type. Identifiers: Orphanet 27, MedGen C1855114, MONDO:0009612, OMIM 251000.

Submissions (3):

Myriad Genetics, Inc.
Classification: Uncertain significance for Methylmalonic aciduria due to methylmalonyl-CoA mutase deficiency. Last evaluated: 2026-05-08. Review status: criteria provided, single submitter. Criteria: Myriad Autosomal Dominant, Autosomal Recessive and X-Linked Classification Criteria (2023). Collection method: clinical testing. Allele origin: unknown.
Comment: NM_000255.3(MMUT):c.1097A>G(N366S) is a missense variant classified as a variant of uncertain significance in the context of methylmalonic acidemia, MMUT-related. N366S has been observed in cases with relevant disease (PMID: 17113806, 38750596). Relevant functional assessments of this variant are available in the literature (PMID: 25125334). N366S has not been observed in referenced population frequency databases. In summary, there is insufficient evidence to classify NM_000255.3(MMUT):c.1097A>G(N366S) as pathogenic or benign. Please note: this variant was assessed in the context of healthy population screening.

Labcorp Genetics (formerly Invitae), Labcorp
Classification: Uncertain significance. Last evaluated: 2023-03-21. Review status: criteria provided, single submitter. Criteria: Invitae Variant Classification Sherloc (09022015). Collection method: clinical testing. Allele origin: germline.
Comment: ClinVar contains an entry for this variant (Variation ID: 218993). In summary, the available evidence is currently insufficient to determine the role of this variant in disease. Therefore, it has been classified as a Variant of Uncertain Significance. Experimental studies have shown that this missense change affects MUT function (PMID: 25125334). Advanced modeling of protein sequence and biophysical properties (such as structural, functional, and spatial information, amino acid conservation, physicochemical variation, residue mobility, and thermodynamic stability) performed at Invitae indicates that this missense variant is expected to disrupt MUT protein function. This missense change has been observed in individual(s) with methylmalonic aciduria (PMID: 17113806). This variant is not present in population databases (gnomAD no frequency). This sequence change replaces asparagine, which is neutral and polar, with serine, which is neutral and polar, at codon 366 of the MUT protein (p.Asn366Ser).

GeneReviews
No classification provided. Condition: Methylmalonic aciduria due to methylmalonyl-CoA mutase deficiency. Review status: no classification provided. Collection method: literature only. Allele origin: germline. Affected: yes. Not counted in ClinVar's aggregate classification.
Comment: mut¯ enzymatic subtype

Literature cited by the submitters: PubMed 17113806 (cited by Myriad Genetics, Inc. and Labcorp Genetics (formerly Invitae), Labcorp); PubMed 25125334 (cited by Myriad Genetics, Inc. and Labcorp Genetics (formerly Invitae), Labcorp); PubMed 38750596 (cited by Myriad Genetics, Inc.); NCBI Bookshelf NBK1231 (cited by GeneReviews).

NM_000255.4(MMUT):c.1097A>G (p.Asn366Ser)

Gene: MMUT (methylmalonyl-CoA mutase; minus strand). Cytogenetic location: 6p12.3.
Variant type: single nucleotide variant.
Coding change: c.1097A>G on transcript NM_000255.4 (MANE Select); coding-DNA position 1097, A replaced by G.
Protein change: p.Asn366Ser; replaces asparagine 366 with serine.
Molecular consequence: missense variant.
Genome position (GRCh38, 1-based): chr6:49,451,701, T>C on the plus strand (A>G on the coding strand, the complement: MMUT is on the minus strand). VCF-style: chr6-49451701-T-C. GRCh37 (hg19) VCF-style: chr6-49419414-T-C.
Other names: short protein forms N366S.
Identifiers: ClinVar variation 218993 (VCV000218993.4), dbSNP rs864309737, ClinGen allele CA347901.